The following is an entry in ClinVar:

NM_004360.5(CDH1):c.1256A>G (p.Asp419Gly)

Gene: CDH1 (cadherin 1; plus strand). Cytogenetic location: 16q22.1.
Variant type: single nucleotide variant.
Coding change: c.1256A>G on transcript NM_004360.5 (MANE Select); coding-DNA position 1256, A replaced by G.
Protein change: p.Asp419Gly; replaces aspartic acid 419 with glycine.
Molecular consequence: missense variant. On other transcripts: 5 prime UTR variant (2), intron variant (1).
Genome position (GRCh38, 1-based): chr16:68,813,431, A>G. VCF-style: chr16-68813431-A-G. GRCh37 (hg19) VCF-style: chr16-68847334-A-G.
Other names: c.-360A>G (NM_001317185.2); c.-564A>G (NM_001317186.2); c.1137+1168A>G (NM_001317184.2); short protein forms D419G.
Identifiers: ClinVar variation 1493378 (VCV001493378.12), dbSNP rs2152133545, ClinGen allele CA396461604.

ClinVar aggregate classification (germline): Uncertain significance. Review status: criteria provided, multiple submitters, no conflicts (2 of 4 stars). 2 submissions from 2 submitters: Uncertain significance (2). Last evaluated 2026-07-10.

Conditions:
Hereditary cancer-predisposing syndrome. Also called: Hereditary Cancer Syndrome; Tumor predisposition; Neoplastic Syndromes, Hereditary; Hereditary neoplastic syndrome. Identifiers: Orphanet 140162, MedGen C0027672, MeSH D009386, MONDO:0015356.
Hereditary diffuse gastric adenocarcinoma (HDGC). Also called: DIFFUSE GASTRIC AND LOBULAR BREAST CANCER SYNDROME. Identifiers: Orphanet 26106, MedGen C1708349, MONDO:0007648, OMIM 137215.

gnomAD v4.1: 3 of 1,614,194 alleles (0.00019%); highest among the groups gnomAD compares: Non-Finnish European, 0.00025%; no homozygotes.

Submissions (2):

Ambry Genetics
Classification: Uncertain significance for Hereditary cancer-predisposing syndrome. Last evaluated: 2026-07-10. Review status: criteria provided, single submitter. Criteria: Ambry Variant Classification Scheme 2023. Collection method: clinical testing. Allele origin: germline.
Comment: The p.D419G variant (also known as c.1256A>G), located in coding exon 9 of the CDH1 gene, results from an A to G substitution at nucleotide position 1256. The aspartic acid at codon 419 is replaced by glycine, an amino acid with similar properties. This amino acid position is poorly conserved in available vertebrate species. In addition, this alteration is predicted to be tolerated by in silico analysis. Based on the available evidence, the clinical significance of this variant remains unclear.

Labcorp Genetics (formerly Invitae), Labcorp
Classification: Uncertain significance for Hereditary diffuse gastric adenocarcinoma. Last evaluated: 2024-10-23. Review status: criteria provided, single submitter. Criteria: Invitae Variant Classification Sherloc (09022015). Collection method: clinical testing. Allele origin: germline.
Comment: This sequence change replaces aspartic acid, which is acidic and polar, with glycine, which is neutral and non-polar, at codon 419 of the CDH1 protein (p.Asp419Gly). This variant is not present in population databases (gnomAD no frequency). This missense change has been observed in individual(s) with cleft lip and/or cleft palate (PMID: 36468602). ClinVar contains an entry for this variant (Variation ID: 1493378). An algorithm developed to predict the effect of missense changes on protein structure and function (PolyPhen-2) suggests that this variant is likely to be tolerated. In summary, the available evidence is currently insufficient to determine the role of this variant in disease. Therefore, it has been classified as a Variant of Uncertain Significance.

Literature cited by the submitters: PubMed 36468602 (cited by Labcorp Genetics (formerly Invitae), Labcorp).